The following is an entry in ClinVar:

ClinVar aggregate classification (germline): Uncertain significance. Review status: criteria provided, multiple submitters, no conflicts (2 of 4 stars). 2 submissions from 2 submitters: Uncertain significance (2). Last evaluated 2026-06-21.

Allele frequency attached by ClinVar (database versions not stated): TOPMed below 0.00001; ExAC 0.00002.
gnomAD v4.1: 18 of 1,614,042 alleles (0.0011%); highest among the groups gnomAD compares: Non-Finnish European, 0.0014%; no homozygotes.

Submissions (2):

Women's Health and Genetics/Laboratory Corporation of America, LabCorp
Classification: Uncertain significance. Last evaluated: 2026-06-21. Review status: criteria provided, single submitter. Criteria: LabCorp Variant Classification Summary - May 2015. Collection method: clinical testing. Allele origin: germline.

Labcorp Genetics (formerly Invitae), Labcorp
Classification: Uncertain significance. Last evaluated: 2023-10-08. Review status: criteria provided, single submitter. Criteria: Invitae Variant Classification Sherloc (09022015). Collection method: clinical testing. Allele origin: germline.
Comment: This sequence change replaces arginine, which is basic and polar, with glutamine, which is neutral and polar, at codon 2553 of the COL7A1 protein (p.Arg2553Gln). This variant is present in population databases (rs780729722, gnomAD 0.003%). This variant has not been reported in the literature in individuals affected with COL7A1-related conditions. Advanced modeling of protein sequence and biophysical properties (such as structural, functional, and spatial information, amino acid conservation, physicochemical variation, residue mobility, and thermodynamic stability) performed at Invitae indicates that this missense variant is not expected to disrupt COL7A1 protein function. In summary, the available evidence is currently insufficient to determine the role of this variant in disease. Therefore, it has been classified as a Variant of Uncertain Significance.

NM_000094.4(COL7A1):c.7658G>A (p.Arg2553Gln)

Gene: COL7A1 (collagen type VII alpha 1 chain; minus strand). Cytogenetic location: 3p21.31.
Variant type: single nucleotide variant.
Coding change: c.7658G>A on transcript NM_000094.4 (MANE Select); coding-DNA position 7658, G replaced by A.
Protein change: p.Arg2553Gln; replaces arginine 2553 with glutamine.
Molecular consequence: missense variant.
Genome position (GRCh38, 1-based): chr3:48,569,403, C>T on the plus strand (G>A on the coding strand, the complement: COL7A1 is on the minus strand). VCF-style: chr3-48569403-C-T. GRCh37 (hg19) VCF-style: chr3-48606836-C-T.
Other names: short protein forms R2553Q.
Identifiers: ClinVar variation 2882616 (VCV002882616.2), dbSNP rs780729722, ClinGen allele CA2378367.